The following is an entry in ClinVar:

ClinVar aggregate classification (germline): Likely pathogenic (1 of 4 stars; one submission).

Conditions:
Autosomal dominant polycystic kidney disease. Identifiers: Orphanet 730, MedGen C0085413, MONDO:0004691.

Submission:

Labcorp Genetics (formerly Invitae), Labcorp
Classification: Likely pathogenic for Autosomal dominant polycystic kidney disease. Last evaluated: 2022-02-21. Review status: criteria provided, single submitter. Criteria: Invitae Variant Classification Sherloc (09022015). Collection method: clinical testing. Allele origin: germline.
Comment: This missense change has been observed in individual(s) with polycystic kidney disease (Invitae). In at least one individual the variant was observed to be de novo. This sequence change replaces arginine, which is basic and polar, with proline, which is neutral and non-polar, at codon 592 of the PKD2 protein (p.Arg592Pro). This variant is not present in population databases (gnomAD no frequency). Algorithms developed to predict the effect of missense changes on protein structure and function (SIFT, PolyPhen-2, Align-GVGD) all suggest that this variant is likely to be disruptive. In summary, the currently available evidence indicates that the variant is pathogenic, but additional data are needed to prove that conclusively. Therefore, this variant has been classified as Likely Pathogenic.

NM_000297.4(PKD2):c.1775G>C (p.Arg592Pro)

Gene: PKD2 (polycystin 2, transient receptor potential cation channel; plus strand). Cytogenetic location: 4q22.1.
Variant type: single nucleotide variant.
Coding change: c.1775G>C on transcript NM_000297.4 (MANE Select); coding-DNA position 1775, G replaced by C.
Protein change: p.Arg592Pro; replaces arginine 592 with proline.
Molecular consequence: missense variant. On other transcripts: non-coding transcript variant (1).
Genome position (GRCh38, 1-based): chr4:88,056,144, G>C. VCF-style: chr4-88056144-G-C. GRCh37 (hg19) VCF-style: chr4-88977296-G-C.
Other names: short protein forms R592P.
Identifiers: ClinVar variation 2089683 (VCV002089683.4), dbSNP rs1445590170, ClinGen allele CA357622726.